The following is an entry in ClinVar:

ClinVar aggregate classification (germline): Uncertain significance (1 of 4 stars; one submission).

Conditions:
Atrial fibrillation, familial, 18 (ATFB18). Identifiers: MedGen C4310636, MONDO:0015001, OMIM 617280.

Allele frequency attached by ClinVar (database versions not stated): gnomAD exomes below 0.00001.
gnomAD v4.1: 2 of 1,614,222 alleles (0.00012%); highest among the groups gnomAD compares: South Asian, 0.0022%; no homozygotes.

Submission:

Labcorp Genetics (formerly Invitae), Labcorp
Classification: Uncertain significance for Atrial fibrillation, familial, 18. Last evaluated: 2023-12-14. Review status: criteria provided, single submitter. Criteria: Invitae Variant Classification Sherloc (09022015). Collection method: clinical testing. Allele origin: germline.
Comment: This sequence change affects codon 45 of the MYL4 mRNA. It is a 'silent' change, meaning that it does not change the encoded amino acid sequence of the MYL4 protein. This variant also falls at the last nucleotide of exon 2, which is part of the consensus splice site for this exon. This variant is present in population databases (no rsID available, gnomAD 0.003%). This variant has not been reported in the literature in individuals affected with MYL4-related conditions. ClinVar contains an entry for this variant (Variation ID: 962172). Variants that disrupt the consensus splice site are a relatively common cause of aberrant splicing (PMID: 17576681, 9536098). Algorithms developed to predict the effect of sequence changes on RNA splicing suggest that this variant is not likely to affect RNA splicing. In summary, the available evidence is currently insufficient to determine the role of this variant in disease. Therefore, it has been classified as a Variant of Uncertain Significance.

Literature cited by the submitters: PubMed 17576681; PubMed 9536098.

NM_002476.2(MYL4):c.135G>A (p.Lys45=)

Gene: MYL4 (myosin light chain 4; plus strand). Cytogenetic location: 17q21.32.
Variant type: single nucleotide variant.
Coding change: c.135G>A on transcript NM_002476.2 (MANE Select); coding-DNA position 135, G replaced by A.
Protein change: p.Lys45=; no amino-acid change (lysine 45 retained).
Molecular consequence: synonymous variant.
Genome position (GRCh38, 1-based): chr17:47,209,557, G>A. VCF-style: chr17-47209557-G-A. GRCh37 (hg19) VCF-style: chr17-45286923-G-A.
Other names: c.135G>A, p.Lys45= (NM_001002841.2).
Identifiers: ClinVar variation 962172 (VCV000962172.7), dbSNP rs1390187341, ClinGen allele CA500434508.